The following is an entry in ClinVar:

NM_001042492.3(NF1):c.5371A>T (p.Ile1791Phe)

Gene: NF1 (neurofibromin 1; plus strand). Cytogenetic location: 17q11.2.
Variant type: single nucleotide variant.
Coding change: c.5371A>T on transcript NM_001042492.3 (MANE Select); coding-DNA position 5371, A replaced by T.
Protein change: p.Ile1791Phe; replaces isoleucine 1791 with phenylalanine.
Molecular consequence: missense variant.
Genome position (GRCh38, 1-based): chr17:31,327,601, A>T. VCF-style: chr17-31327601-A-T. GRCh37 (hg19) VCF-style: chr17-29654619-A-T.
Other names: c.5308A>T, p.Ile1770Phe (NM_000267.4); short protein forms I1770F, I1791F.
Identifiers: ClinVar variation 1474615 (VCV001474615.8), dbSNP rs2151541120, ClinGen allele CA399009288.
Genomic context (GRCh38, chr17:31,327,601, plus strand): 5'-AAAGTCCTAGGGCAATCAGTCTTTCTAAATGACATTTATTATGCTTCGGAAATTGAAGAA[A>T]TCTGCCTAGTAGATGAGAACCAGTTCACCTTAACCATTGCAAACCAGGGCACGCCGCTCA-3'
Protein context (NP_001035957.1, residues 1781-1801): DIYYASEIEE[Ile1791Phe]CLVDENQFTL

ClinVar aggregate classification (germline): Uncertain significance (1 of 4 stars; one submission).

Conditions:
Neurofibromatosis, type 1 (NF1). Also called: Neurofibromatosis, type I; VON RECKLINGHAUSEN DISEASE; NEUROFIBROMATOSIS, TYPE I, SOMATIC; Peripheral type neurofibromatosis. Identifiers: Orphanet 636, MedGen C0027831, MONDO:0018975, OMIM 162200. Disease mechanism: loss of function.

Submission:

Labcorp Genetics (formerly Invitae), Labcorp
Classification: Uncertain significance for Neurofibromatosis, type 1. Last evaluated: 2021-05-27. Review status: criteria provided, single submitter. Criteria: Invitae Variant Classification Sherloc (09022015). Collection method: clinical testing. Allele origin: germline.
Comment: Advanced modeling of protein sequence and biophysical properties (such as structural, functional, and spatial information, amino acid conservation, physicochemical variation, residue mobility, and thermodynamic stability) performed at Invitae indicates that this missense variant is expected to disrupt NF1 protein function. In summary, the available evidence is currently insufficient to determine the role of this variant in disease. Therefore, it has been classified as a Variant of Uncertain Significance. This variant has not been reported in the literature in individuals with NF1-related conditions. This variant is not present in population databases (ExAC no frequency). This sequence change replaces isoleucine with phenylalanine at codon 1770 of the NF1 protein (p.Ile1770Phe). The isoleucine residue is moderately conserved and there is a small physicochemical difference between isoleucine and phenylalanine.